The following is an entry in ClinVar:

ClinVar aggregate classification (germline): Benign. Review status: criteria provided, multiple submitters, no conflicts (2 of 4 stars). 2 submissions from 2 submitters: Benign (2). Last evaluated 2025-06-20.

Conditions:
Skeletal overgrowth-craniofacial dysmorphism-hyperelastic skin-white matter lesions syndrome. Also called: SKELETAL OVERGROWTH WITH FACIAL DYSMORPHISM, HYPERELASTIC SKIN, WHITE MATTER LESIONS, AND NEUROLOGIC DETERIORATION; Kosaki overgrowth syndrome. Identifiers: Orphanet 477831, MedGen C4225270, MONDO:0014704, OMIM 616592.
Acroosteolysis-keloid-like lesions-premature aging syndrome. Also called: Premature aging syndrome, Penttinen type; Prematurely aged appearance, delayed bone maturation, acro-osteolysis, and brachydactyly; Progeroid syndrome, Penttinen type. Identifiers: Orphanet 363665, MedGen C1866182, MONDO:0011150, OMIM 601812.
Basal ganglia calcification, idiopathic, 4 (PFBC4). Also called: PRIMARY FAMILIAL BRAIN CALCIFICATION 4, AUTOSOMAL DOMINANT; Familial Idiopathic Basal Ganglia Calcification 4. Identifiers: Orphanet 1980, MedGen C3554321, MONDO:0014004, OMIM 615007.
Infantile myofibromatosis (IMF). Also called: Congenital generalized fibromatosis. Identifiers: Orphanet 2591, MedGen C0432284, MONDO:0016824.

Allele frequency attached by ClinVar (database versions not stated): gnomAD 0.00011 and 0.00009; gnomAD exomes 0.00011 and 0.00023; ExAC 0.00024; ESP Exome Variant Server 0.00031; TOPMed 0.00013.
gnomAD v4.1: 198 of 1,612,788 alleles (0.012%); highest among the groups gnomAD compares: Middle Eastern, 0.016%; no homozygotes.

Submissions (2):

Labcorp Genetics (formerly Invitae), Labcorp
Classification: Benign for Basal ganglia calcification, idiopathic, 4; Skeletal overgrowth-craniofacial dysmorphism-hyperelastic skin-white matter lesions syndrome; Infantile myofibromatosis; Acroosteolysis-keloid-like lesions-premature aging syndrome. Last evaluated: 2025-06-20. Review status: criteria provided, single submitter. Criteria: Invitae Variant Classification Sherloc (09022015). Collection method: clinical testing. Allele origin: germline.

Mayo Clinic Laboratories, Mayo Clinic
Classification: Benign. Last evaluated: 2023-10-16. Review status: criteria provided, single submitter. Criteria: ACMG Guidelines, 2015. Collection method: clinical testing. Allele origin: germline. Observed: 2 variant alleles.
Comment: BS1, BS2, BP4, BP7

NM_002609.4(PDGFRB):c.1083C>T (p.Ser361=)

Gene: PDGFRB (platelet derived growth factor receptor beta; minus strand). Cytogenetic location: 5q32.
Variant type: single nucleotide variant.
Coding change: c.1083C>T on transcript NM_002609.4 (MANE Select); coding-DNA position 1083, C replaced by T.
Protein change: p.Ser361=; no amino-acid change (serine 361 retained).
Molecular consequence: synonymous variant.
Genome position (GRCh38, 1-based): chr5:150,132,794, G>A on the plus strand (C>T on the coding strand, the complement: PDGFRB is on the minus strand). VCF-style: chr5-150132794-G-A. GRCh37 (hg19) VCF-style: chr5-149512357-G-A.
Other names: p.Ser361=; c.891C>T, p.Ser297= (NM_001355016.2); c.600C>T, p.Ser200= (NM_001355017.2).
Identifiers: ClinVar variation 1165964 (VCV001165964.10), dbSNP rs146064275, ClinGen allele CA3508112.